The following is an entry in ClinVar:

NM_177433.3(MAGED2):c.1191G>A (p.Lys397=)

Gene: MAGED2 (MAGE family member D2; plus strand). Cytogenetic location: Xp11.21.
Variant type: single nucleotide variant.
Coding change: c.1191G>A on transcript NM_177433.3 (MANE Select); coding-DNA position 1191, G replaced by A.
Protein change: p.Lys397=; no amino-acid change (lysine 397 retained).
Molecular consequence: synonymous variant.
Genome position (GRCh38, 1-based): chrX:54,813,143, G>A. VCF-style: chrX-54813143-G-A. GRCh37 (hg19) VCF-style: chrX-54839576-G-A.
Other names: c.1191G>A (NM_177433.2); c.1191G>A, p.Lys397= (NM_014599.6, NM_201222.3).
Identifiers: ClinVar variation 2893515 (VCV002893515.4), dbSNP rs138363965, ClinGen allele CA10426808.

ClinVar aggregate classification (germline): Benign/Likely benign. Review status: criteria provided, multiple submitters, no conflicts (2 of 4 stars). 2 submissions from 2 submitters: Benign (1); Likely benign (1). Last evaluated 2025-06-13.

Conditions:
MAGED2-related disorder. Also called: MAGED2-related condition.

Allele frequency attached by ClinVar (database versions not stated): ExAC 0.00002; TOPMed 0.00006; gnomAD 0.00008; gnomAD exomes 0.00008; ESP Exome Variant Server 0.00019.
gnomAD v4.1: 96 of 1,209,952 alleles (0.0079%); highest among the groups gnomAD compares: Non-Finnish European, 0.0098%; no homozygotes.

Submissions (2):

PreventionGenetics, part of Exact Sciences
Classification: Likely benign for MAGED2-related condition. Last evaluated: 2025-06-13. Review status: criteria provided, single submitter. Criteria: ACMG Guidelines, 2015. Collection method: clinical testing. Allele origin: germline.
Comment: This variant is classified as likely benign based on ACMG/AMP sequence variant interpretation guidelines (Richards et al. 2015 PMID: 25741868, with internal and published modifications).

Labcorp Genetics (formerly Invitae), Labcorp
Classification: Benign. Last evaluated: 2023-12-30. Review status: criteria provided, single submitter. Criteria: Invitae Variant Classification Sherloc (09022015). Collection method: clinical testing. Allele origin: germline.